The following is an entry in ClinVar:

NM_022893.4(BCL11A):c.576T>G (p.Thr192=)

Gene: BCL11A (BCL11 transcription factor A; minus strand). Cytogenetic location: 2p16.1.
Variant type: single nucleotide variant.
Coding change: c.576T>G on transcript NM_022893.4 (MANE Select); coding-DNA position 576, T replaced by G.
Protein change: p.Thr192=; no amino-acid change (threonine 192 retained).
Molecular consequence: synonymous variant. On other transcripts: non-coding transcript variant (1).
Genome position (GRCh38, 1-based): chr2:60,462,336, A>C on the plus strand (T>G on the coding strand, the complement: BCL11A is on the minus strand). VCF-style: chr2-60462336-A-C. GRCh37 (hg19) VCF-style: chr2-60689471-A-C.
Other names: c.474T>G, p.Thr158= (NM_001363864.1, NM_001365609.1, NM_001405711.1 and 3 more transcripts); c.576T>G, p.Thr192= (NM_001405708.1, NM_001405709.1, NM_001405710.1 and 4 more transcripts); c.420T>G, p.Thr140= (NM_001405713.1, NM_001405714.1, NM_001405715.1 and 6 more transcripts); c.318T>G, p.Thr106= (NM_001405717.1, NM_001405718.1, NM_001405724.1 and 1 more transcripts); c.243T>G, p.Thr81= (NM_001405720.1, NM_001405721.1); c.120T>G, p.Thr40= (NM_001405725.1, NM_001405726.1, NM_001405727.1 and 2 more transcripts).
Identifiers: ClinVar variation 2650965 (VCV002650965.24), dbSNP rs1676365993, ClinGen allele CA426417970.
Genomic context (GRCh38, chr2:60,462,336, plus strand): 5'-ACCAACCCGCGGGGTCAGGGGACTTCCGTGTTCGCTTTCTAAGTAGATTCTTAATCCATG[A>C]GTGTTCTGTGCGTGTTGCAAGAGAAACCATGCACTGGTGAATGGCTGTTTGCAAGTTGTA-3'
Protein context (NP_075044.2, residues 182-202): AWFLLQHAQN[Thr192=]HGLRIYLESE

ClinVar aggregate classification (germline): Likely benign (1 of 4 stars; one submission).

Allele frequency attached by ClinVar (database versions not stated): gnomAD 0.00001.
gnomAD v4.1: 1 of 1,613,920 alleles (0.000062%); highest among the groups gnomAD compares: East Asian, 0.0022%; no homozygotes.

Submission:

CeGaT Center for Human Genetics Tuebingen
Classification: Likely benign. Last evaluated: 2023-01-01. Review status: criteria provided, single submitter. Criteria: CeGaT Center For Human Genetics Tuebingen Variant Classification Criteria Version 2. Collection method: clinical testing. Allele origin: germline. Affected: yes. Observed: 1 variant allele.
Comment: BCL11A: BP4